The following is an entry in ClinVar:

NM_001130053.5(EEF1D):c.1724C>T (p.Thr575Met)

Gene: EEF1D (eukaryotic translation elongation factor 1 delta; minus strand). Cytogenetic location: 8q24.3.
Variant type: single nucleotide variant.
Coding change: c.1724C>T on transcript NM_001130053.5 (MANE Select); coding-DNA position 1724, C replaced by T.
Protein change: p.Thr575Met; replaces threonine 575 with methionine.
Molecular consequence: missense variant.
Genome position (GRCh38, 1-based): chr8:143,580,193, G>A on the plus strand (C>T on the coding strand, the complement: EEF1D is on the minus strand). VCF-style: chr8-143580193-G-A. GRCh37 (hg19) VCF-style: chr8-144662363-G-A.
Other names: c.626C>T, p.Thr209Met (NM_001130055.4, NM_001130057.4, NM_001289950.4 and 1 more transcripts); c.554C>T, p.Thr185Met (NM_001130056.5, NM_001317743.4, NM_001330646.3); c.569C>T, p.Thr190Met (NM_001195203.4); c.1724C>T, p.Thr575Met (NM_032378.7); short protein forms T185M, T190M, T209M, T575M.
Identifiers: ClinVar variation 3370747 (VCV003370747.2).

ClinVar aggregate classification (germline): Uncertain significance. Review status: criteria provided, multiple submitters, no conflicts (2 of 4 stars). 2 submissions from 2 submitters: Uncertain significance (2). Last evaluated 2024-10-11.

Submissions (2):

Ambry Genetics
Classification: Uncertain significance. Last evaluated: 2024-10-11. Review status: criteria provided, single submitter. Criteria: Ambry Variant Classification Scheme 2023. Collection method: clinical testing. Allele origin: germline.

GeneDx
Classification: Uncertain significance. Last evaluated: 2024-03-12. Review status: criteria provided, single submitter. Criteria: GeneDx Variant Classification Process June 2021. Collection method: clinical testing. Allele origin: germline. Affected: yes.
Comment: In silico analysis supports that this missense variant has a deleterious effect on protein structure/function; Has not been previously published as pathogenic or benign to our knowledge